The following is an entry in ClinVar:

ClinVar aggregate classification (germline): Uncertain significance (1 of 4 stars; one submission).

Conditions:
Mendelian susceptibility to mycobacterial diseases due to complete IL12RB1 deficiency. Also called: IL12RB1 DEFICIENCY; Immunodeficiency 30. Identifiers: Orphanet 319552, MedGen C4013949, MONDO:0013955, OMIM 614891.

Allele frequency attached by ClinVar (database versions not stated): gnomAD exomes below 0.00001 and 0.00001; ExAC 0.00002; gnomAD 0.00003 and 0.00004; TOPMed 0.00003.
gnomAD v4.1: 11 of 1,610,596 alleles (0.00068%); highest among the groups gnomAD compares: African/African-American, 0.0067%; no homozygotes.

Submission:

Labcorp Genetics (formerly Invitae), Labcorp
Classification: Uncertain significance for Mendelian susceptibility to mycobacterial diseases due to complete IL12RB1 deficiency. Last evaluated: 2024-10-28. Review status: criteria provided, single submitter. Criteria: Invitae Variant Classification Sherloc (09022015). Collection method: clinical testing. Allele origin: germline.
Comment: This sequence change replaces arginine, which is basic and polar, with glycine, which is neutral and non-polar, at codon 19 of the IL12RB1 protein (p.Arg19Gly). This variant is present in population databases (rs746501773, gnomAD 0.01%). This variant has not been reported in the literature in individuals affected with IL12RB1-related conditions. ClinVar contains an entry for this variant (Variation ID: 1485046). An algorithm developed to predict the effect of missense changes on protein structure and function outputs the following: PolyPhen-2: "Benign". The glycine amino acid residue is found in multiple mammalian species, which suggests that this missense change does not adversely affect protein function. In summary, the available evidence is currently insufficient to determine the role of this variant in disease. Therefore, it has been classified as a Variant of Uncertain Significance.

NM_005535.3(IL12RB1):c.55A>G (p.Arg19Gly)

Gene: IL12RB1 (interleukin 12 receptor subunit beta 1; minus strand). Cytogenetic location: 19p13.11.
Variant type: single nucleotide variant.
Coding change: c.55A>G on transcript NM_005535.3 (MANE Select); coding-DNA position 55, A replaced by G.
Protein change: p.Arg19Gly; replaces arginine 19 with glycine.
Molecular consequence: missense variant.
Genome position (GRCh38, 1-based): chr19:18,086,769, T>C on the plus strand (A>G on the coding strand, the complement: IL12RB1 is on the minus strand). VCF-style: chr19-18086769-T-C. GRCh37 (hg19) VCF-style: chr19-18197579-T-C.
Other names: c.55A>G, p.Arg19Gly (NM_001290023.2, NM_153701.3); c.175A>G, p.Arg59Gly (NM_001290024.2); short protein forms R59G, R19G.
Identifiers: ClinVar variation 1485046 (VCV001485046.7), dbSNP rs746501773, ClinGen allele CA9305392.